The following is an entry in ClinVar:

ClinVar aggregate classification (germline): Uncertain significance (1 of 4 stars; one submission).

Conditions:
Hereditary cancer-predisposing syndrome. Also called: Tumor predisposition; Hereditary Cancer Syndrome; Hereditary neoplastic syndrome; Neoplastic Syndromes, Hereditary. Identifiers: Orphanet 140162, MedGen C0027672, MeSH D009386, MONDO:0015356.

Submission:

Ambry Genetics
Classification: Uncertain significance for Hereditary cancer-predisposing syndrome. Last evaluated: 2023-06-24. Review status: criteria provided, single submitter. Criteria: Ambry Variant Classification Scheme 2023. Collection method: clinical testing. Allele origin: germline.
Comment: The p.G279R variant (also known as c.835G>A), located in coding exon 8 of the PRKAR1A gene, results from a G to A substitution at nucleotide position 835. The glycine at codon 279 is replaced by arginine, an amino acid with dissimilar properties. This amino acid position is conserved. In addition, this alteration is predicted to be deleterious by in silico analysis. Since supporting evidence is limited at this time, the clinical significance of this alteration remains unclear.

NM_002734.5(PRKAR1A):c.835G>A (p.Gly279Arg)

Gene: PRKAR1A (protein kinase cAMP-dependent type I regulatory subunit alpha; plus strand). Cytogenetic location: 17q24.2.
Variant type: single nucleotide variant.
Coding change: c.835G>A on transcript NM_002734.5 (MANE Select); coding-DNA position 835, G replaced by A.
Protein change: p.Gly279Arg; replaces glycine 279 with arginine.
Molecular consequence: missense variant.
Genome position (GRCh38, 1-based): chr17:68,528,935, G>A. VCF-style: chr17-68528935-G-A. GRCh37 (hg19) VCF-style: chr17-66525076-G-A.
Other names: c.835G>A, p.Gly279Arg (NM_001276289.2, NM_001276290.1, NM_001278433.2 and 4 more transcripts); short protein forms G279R.
Identifiers: ClinVar variation 2625066 (VCV002625066.2), dbSNP rs2509437740, ClinGen allele CA400753927.